The following is an entry in ClinVar:

NM_014927.5(CNKSR2):c.1198C>T (p.Arg400Ter)

Gene: CNKSR2 (connector enhancer of kinase suppressor of Ras 2; plus strand). Cytogenetic location: Xp22.12.
Variant type: single nucleotide variant.
Coding change: c.1198C>T on transcript NM_014927.5 (MANE Select); coding-DNA position 1198, C replaced by T.
Protein change: p.Arg400Ter; replaces arginine 400 with a stop codon.
Molecular consequence: nonsense.
Genome position (GRCh38, 1-based): chrX:21,531,962, C>T. VCF-style: chrX-21531962-C-T. GRCh37 (hg19) VCF-style: chrX-21550080-C-T.
Other names: c.1198C>T (NM_014927.3); c.1051C>T, p.Arg351Ter (NM_001330771.2, NM_001330772.2, NM_001168649.3 and 1 more transcripts); c.1198C>T, p.Arg400Ter (NM_001168647.3, NM_001168648.3, NM_001330773.2); short protein forms R351*, R400*.
Identifiers: ClinVar variation 1802631 (VCV001802631.5), dbSNP rs2519101342, ClinGen allele CA412551248.

ClinVar aggregate classification (germline): Pathogenic/Likely pathogenic. Review status: criteria provided, multiple submitters, no conflicts (2 of 4 stars). 5 submissions from 5 submitters: Pathogenic (3); Likely pathogenic (2). Last evaluated 2025-05-13.

Conditions:
Intellectual developmental disorder, X-linked, syndromic, Houge type. Also called: Intellectual disability, X-linked, syndromic, Houge type; MENTAL RETARDATION, X-LINKED, SYNDROMIC, HOUGE TYPE. Identifiers: MedGen C4538788, MONDO:0030909, OMIM 301008.

Submissions (5):

Variantyx, Inc.
Classification: Pathogenic for Intellectual developmental disorder, X-linked, syndromic, Houge type. Last evaluated: 2025-05-13. Review status: criteria provided, single submitter. Criteria: Variantyx Assertion Criteria 2022. Collection method: clinical testing. Allele origin: maternal. Inheritance: X-linked inheritance. Affected: yes.
Comment: This is a nonsense variant in the CNKSR2 gene (OMIM: 300724). Pathogenic variants in this gene have been associated with X-linked Houge type syndromic intellectual developmental disorder. This variant introduces a premature termination codon in exon 11 out of 22 and is expected to result in loss of function, which is a known disease mechanism for CNKSR2 in this disorder (PMID: 38337158, 34266427, 25223753) (PVS1). This variant is absent from control populations (PM2). Based on the current evidence, this variant is classified as pathogenic for X-linked Houge type syndromic intellectual developmental disorder.

Department of Human Genetics, Hannover Medical School
Classification: Likely pathogenic for Intellectual developmental disorder, X-linked, syndromic, Houge type. Last evaluated: 2025-03-12. Review status: criteria provided, single submitter. Criteria: ACMG Guidelines, 2015. Collection method: clinical testing. Allele origin: germline. Inheritance: X-linked inheritance. Affected: yes.
Comment: ACMG: PVS1, PM2_Supporting

GeneDx
Classification: Pathogenic. Last evaluated: 2023-06-12. Review status: criteria provided, single submitter. Criteria: GeneDx Variant Classification Process June 2021. Collection method: clinical testing. Allele origin: germline. Affected: yes.
Comment: Nonsense variant predicted to result in protein truncation or nonsense mediated decay in a gene for which loss of function is a known mechanism of disease; Not observed at significant frequency in large population cohorts (gnomAD); This variant is associated with the following publications: (PMID: 34266427)

Greenwood Genetic Center Diagnostic Laboratories, Greenwood Genetic Center
Classification: Pathogenic for Intellectual developmental disorder, X-linked, syndromic, Houge type. Last evaluated: 2023-01-03. Review status: criteria provided, single submitter. Criteria: ACMG Guidelines, 2015. Collection method: clinical testing. Allele origin: somatic. Affected: yes.
Comment: PVS1, PM2, PM6, PS4_supporting

Laboratory of Medical Genetics, University of Torino
Classification: Likely pathogenic for Intellectual developmental disorder, X-linked, syndromic, Houge type. Last evaluated: 2022-11-29. Review status: criteria provided, single submitter. Criteria: ACMG Guidelines, 2015. Collection method: research. Allele origin: germline. Affected: yes. Study: NeuroWES.

Literature cited by the submitters: PubMed 38337158 (cited by Variantyx, Inc.); PubMed 34266427 (cited by Variantyx, Inc.); PubMed 25223753 (cited by Variantyx, Inc.).